The following is an entry in ClinVar:

NM_004522.3(KIF5C):c.2263A>G (p.Lys755Glu)

Gene: KIF5C (kinesin family member 5C; plus strand). Cytogenetic location: 2q23.2.
Variant type: single nucleotide variant.
Coding change: c.2263A>G on transcript NM_004522.3 (MANE Select); coding-DNA position 2263, A replaced by G.
Protein change: p.Lys755Glu; replaces lysine 755 with glutamic acid.
Molecular consequence: missense variant. On other transcripts: non-coding transcript variant (1).
Genome position (GRCh38, 1-based): chr2:149,000,475, A>G. VCF-style: chr2-149000475-A-G. GRCh37 (hg19) VCF-style: chr2-149856989-A-G.
Other names: short protein forms K755E.
Identifiers: ClinVar variation 2651418 (VCV002651418.24), dbSNP rs1292026609, ClinGen allele CA348747352.

ClinVar aggregate classification (germline): Uncertain significance (1 of 4 stars; one submission).

Submission:

CeGaT Center for Human Genetics Tuebingen
Classification: Uncertain significance. Last evaluated: 2023-09-01. Review status: criteria provided, single submitter. Criteria: CeGaT Center For Human Genetics Tuebingen Variant Classification Criteria Version 2. Collection method: clinical testing. Allele origin: germline. Affected: yes. Observed: 1 variant allele.
Comment: KIF5C: PM2